The following is an entry in ClinVar:

ClinVar aggregate classification (germline): Likely benign. Review status: criteria provided, multiple submitters, no conflicts (2 of 4 stars). 2 submissions from 2 submitters: Likely benign (2). Last evaluated 2018-06-14.

Allele frequency attached by ClinVar (database versions not stated): 1000 Genomes Project 0.00919; 1000 Genomes Project 30x 0.00937; gnomAD 0.00951 and 0.01021; TOPMed 0.01067.
gnomAD v4.1: 1,426 of 152,230 alleles (0.94%); highest among the groups gnomAD compares: African/African-American, 3.2%; 20 homozygotes.

Submissions (2):

GeneDx
Classification: Likely benign. Last evaluated: 2018-06-14. Review status: criteria provided, single submitter. Criteria: GeneDx Variant Classification (06012015). Collection method: clinical testing. Allele origin: germline. Affected: yes.
Comment: This variant is considered likely benign or benign based on one or more of the following criteria: it is a conservative change, it occurs at a poorly conserved position in the protein, it is predicted to be benign by multiple in silico algorithms, and/or has population frequency not consistent with disease.

Breakthrough Genomics
Classification: Likely benign. Review status: criteria provided, single submitter. Criteria: ACMG Guidelines, 2015. Collection method: not provided. Allele origin: germline. Inheritance: Autosomal dominant inheritance. Affected: yes.

NM_000393.5(COL5A2):c.798+184C>T

Gene: COL5A2 (collagen type V alpha 2 chain; minus strand). Cytogenetic location: 2q32.2.
Variant type: single nucleotide variant.
Coding change: c.798+184C>T on transcript NM_000393.5 (MANE Select); 184 bases into the intron after coding-DNA position 798, C replaced by T.
Molecular consequence: intron variant.
Genome position (GRCh38, 1-based): chr2:189,084,976, G>A on the plus strand (C>T on the coding strand, the complement: COL5A2 is on the minus strand). VCF-style: chr2-189084976-G-A. GRCh37 (hg19) VCF-style: chr2-189949702-G-A.
Identifiers: ClinVar variation 676071 (VCV000676071.2), dbSNP rs57484527, ClinGen allele CA62567212.